The following is an entry in ClinVar:

NM_019594.4(LRRC8A):c.2267del (p.Leu756fs)

Gene: LRRC8A (leucine rich repeat containing 8 VRAC subunit A; plus strand). Cytogenetic location: 9q34.11.
Variant type: Deletion.
Coding change: c.2267del on transcript NM_019594.4 (MANE Select); coding-DNA position 2267, one base deleted (T; older notation c.2267delT).
Protein change: p.Leu756fs; shifts the reading frame from leucine 756.
Molecular consequence: frameshift variant.
Genome position (GRCh38, 1-based): chr9:128,916,205, T deleted. VCF-style (leftmost placement, unchanged base first): chr9-128916204-CT-C. GRCh37 (hg19) VCF-style: chr9-131678483-CT-C.
Other names: c.2267del, p.Leu756fs (NM_001127244.2, NM_001127245.2); short protein forms L756fs.
Identifiers: ClinVar variation 1028633 (VCV001028633.1), dbSNP rs1840810037, ClinGen allele CA1880522252.

ClinVar aggregate classification (germline): Uncertain significance (1 of 4 stars; one submission).

Conditions:
Agammaglobulinemia 5, autosomal dominant (AGM5). Also called: AGAMMAGLOBULINEMIA, AUTOSOMAL DOMINANT, DUE TO LRRC8A DEFECT. Identifiers: MedGen C3150753, MONDO:0013290, OMIM 613506.

Submission:

Baylor Genetics
Classification: Uncertain significance for Agammaglobulinemia 5, autosomal dominant. Last evaluated: 2020-07-30. Review status: criteria provided, single submitter. Criteria: ACMG Guidelines, 2015. Collection method: clinical testing. Allele origin: paternal. Affected: yes.
Comment: This variant was determined to be of uncertain significance according to ACMG Guidelines, 2015 [PMID:25741868].